The following is an entry in ClinVar:

ClinVar aggregate classification (germline): Pathogenic (1 of 4 stars; one submission).

Submission:

Labcorp Genetics (formerly Invitae), Labcorp
Classification: Pathogenic. Last evaluated: 2022-11-10. Review status: criteria provided, single submitter. Criteria: Invitae Variant Classification Sherloc (09022015). Collection method: clinical testing. Allele origin: germline.
Comment: This variant has not been reported in the literature in individuals affected with ASNS-related conditions. For these reasons, this variant has been classified as Pathogenic. ClinVar contains an entry for this variant (Variation ID: 1458611). This variant is not present in population databases (gnomAD no frequency). This sequence change creates a premature translational stop signal (p.Tyr185Leufs*2) in the ASNS gene. It is expected to result in an absent or disrupted protein product. Loss-of-function variants in ASNS are known to be pathogenic (PMID: 27422383, 30057589).

Literature cited by the submitters: PubMed 27422383; PubMed 30057589.

NM_001673.5(ASNS):c.552dup (p.Tyr185fs)

Genes: ASNS (asparagine synthetase (glutamine-hydrolyzing); minus strand), CZ1P-ASNS (CZ1P-ASNS readthrough; minus strand). Cytogenetic location: 7q21.3.
Variant type: Duplication.
Coding change: c.552dup on transcript NM_001673.5 (MANE Select); coding-DNA position 552, one base duplicated (C; older notation c.552dupC).
Protein change: p.Tyr185fs; shifts the reading frame from tyrosine 185.
Molecular consequence: frameshift variant. On other transcripts: non-coding transcript variant (1).
Genome position (GRCh38, 1-based): chr7:97,859,334, G duplicated on the plus strand (C on the coding strand, the reverse complement: ASNS is on the minus strand). VCF-style (leftmost placement, unchanged base first): chr7-97859333-A-AG. GRCh37 (hg19) VCF-style: chr7-97488645-A-AG.
Other names: c.489dup, p.Tyr164fs (NM_001178075.2); c.303dup, p.Tyr102fs (NM_001178076.2, NM_001178077.1); c.552dup, p.Tyr185fs (NM_001352496.2, NM_133436.3, NM_183356.4); short protein forms Y164fs, Y102fs, Y185fs.
Identifiers: ClinVar variation 1458611 (VCV001458611.6), dbSNP rs2115660310, ClinGen allele CA2573142486.